The following is an entry in ClinVar:

NM_001253697.2(ERBIN):c.3795G>C (p.Arg1265Ser)

Gene: ERBIN (erbb2 interacting protein; plus strand). Cytogenetic location: 5q12.3.
Variant type: single nucleotide variant.
Coding change: c.3795G>C on transcript NM_001253697.2 (MANE Select); coding-DNA position 3795, G replaced by C.
Protein change: p.Arg1265Ser; replaces arginine 1265 with serine.
Molecular consequence: missense variant. On other transcripts: intron variant (1).
Genome position (GRCh38, 1-based): chr5:66,075,062, G>C. VCF-style: chr5-66075062-G-C. GRCh37 (hg19) VCF-style: chr5-65370890-G-C.
Other names: c.3672G>C, p.Arg1224Ser (NM_001253698.2, NM_018695.4); c.3816G>C, p.Arg1272Ser (NM_001253699.2); c.3660G>C, p.Arg1220Ser (NM_001253701.2); c.3634-1254G>C (NM_001006600.3); short protein forms R1224S, R1272S, R1265S, R1220S.
Identifiers: ClinVar variation 2793990 (VCV002793990.3), dbSNP rs2546884834, ClinGen allele CA359870982.

ClinVar aggregate classification (germline): Uncertain significance (1 of 4 stars; one submission).

Submission:

Labcorp Genetics (formerly Invitae), Labcorp
Classification: Uncertain significance. Last evaluated: 2022-11-03. Review status: criteria provided, single submitter. Criteria: Invitae Variant Classification Sherloc (09022015). Collection method: clinical testing. Allele origin: germline.
Comment: Algorithms developed to predict the effect of missense changes on protein structure and function are either unavailable or do not agree on the potential impact of this missense change (SIFT: "Deleterious"; PolyPhen-2: "Possibly Damaging"; Align-GVGD: "Class C0"). This variant has not been reported in the literature in individuals affected with ERBIN-related conditions. This variant is not present in population databases (gnomAD no frequency). This sequence change replaces arginine, which is basic and polar, with serine, which is neutral and polar, at codon 1265 of the ERBIN protein (p.Arg1265Ser). In summary, the available evidence is currently insufficient to determine the role of this variant in disease. Therefore, it has been classified as a Variant of Uncertain Significance.